The following is an entry in ClinVar:

ClinVar aggregate classification (germline): Benign/Likely benign. Review status: criteria provided, multiple submitters, no conflicts (2 of 4 stars). 3 submissions from 3 submitters: Benign (1); Likely benign (2). Last evaluated 2024-12-22.

Conditions:
Renal cell carcinoma. Identifiers: Orphanet 217071, MedGen C0007134, MeSH D002292, MONDO:0005086, HP:0005584.
Hereditary cancer-predisposing syndrome. Also called: Tumor predisposition; Neoplastic Syndromes, Hereditary; Hereditary Cancer Syndrome; Hereditary neoplastic syndrome. Identifiers: Orphanet 140162, MedGen C0027672, MeSH D009386, MONDO:0015356.
Papillary renal cell carcinoma type 1 (RCCP1). Also called: RENAL CELL CARCINOMA, PAPILLARY, 1, SOMATIC; Renal adenocarcinoma; Renal cell carcinoma 1; Renal cell carcinoma, somatic. Identifiers: Orphanet 47044, MedGen C1336839, OMIM 605074, HP:0011797.

Allele frequency attached by ClinVar (database versions not stated): TOPMed below 0.00001; gnomAD 0.00001; ESP Exome Variant Server 0.00008.
gnomAD v4.1: 6 of 1,614,094 alleles (0.00037%); highest among the groups gnomAD compares: Non-Finnish European, 0.00051%; no homozygotes.

Submissions (3):

Labcorp Genetics (formerly Invitae), Labcorp
Classification: Likely benign for Renal cell carcinoma. Last evaluated: 2024-12-22. Review status: criteria provided, single submitter. Criteria: Invitae Variant Classification Sherloc (09022015). Collection method: clinical testing. Allele origin: germline.

Myriad Genetics, Inc.
Classification: Benign for Papillary renal cell carcinoma type 1. Last evaluated: 2024-11-14. Review status: criteria provided, single submitter. Criteria: Myriad Autosomal Dominant, Autosomal Recessive and X-Linked Classification Criteria (2023). Collection method: clinical testing. Allele origin: unknown.
Comment: This variant is considered benign. This variant is a silent/synonymous amino acid change and it is not expected to impact splicing.

Ambry Genetics
Classification: Likely benign for Hereditary cancer-predisposing syndrome. Last evaluated: 2019-08-07. Review status: criteria provided, single submitter. Criteria: Ambry Variant Classification Scheme 2023. Collection method: clinical testing. Allele origin: germline.

NM_000245.4(MET):c.3966T>A (p.Pro1322=)

Gene: MET (MET proto-oncogene, receptor tyrosine kinase; plus strand). Cytogenetic location: 7q31.2.
Variant type: single nucleotide variant.
Coding change: c.3966T>A on transcript NM_000245.4 (MANE Select); coding-DNA position 3966, T replaced by A.
Protein change: p.Pro1322=; no amino-acid change (proline 1322 retained).
Molecular consequence: synonymous variant.
Genome position (GRCh38, 1-based): chr7:116,795,917, T>A. VCF-style: chr7-116795917-T-A. GRCh37 (hg19) VCF-style: chr7-116435971-T-A.
Other names: c.4020T>A, p.Pro1340= (NM_001127500.3); c.2676T>A, p.Pro892= (NM_001324402.2).
Identifiers: ClinVar variation 765274 (VCV000765274.16), dbSNP rs372608840, ClinGen allele CA4448811.